The following is an entry in ClinVar:

NM_001128178.3(NPHP1):c.1517G>A (p.Arg506Lys)

Gene: NPHP1 (nephrocystin 1; minus strand). Cytogenetic location: 2q13.
Variant type: single nucleotide variant.
Coding change: c.1517G>A on transcript NM_001128178.3 (MANE Select); coding-DNA position 1517, G replaced by A.
Protein change: p.Arg506Lys; replaces arginine 506 with lysine.
Molecular consequence: missense variant.
Genome position (GRCh38, 1-based): chr2:110,143,554, C>T on the plus strand (G>A on the coding strand, the complement: NPHP1 is on the minus strand). VCF-style: chr2-110143554-C-T. GRCh37 (hg19) VCF-style: chr2-110901131-C-T.
Other names: c.1685G>A, p.Arg562Lys (NM_000272.5); c.1328G>A, p.Arg443Lys (NM_001128179.3); c.1514G>A, p.Arg505Lys (NM_001374256.1); c.1517G>A, p.Arg506Lys (NM_001374257.1); c.1682G>A, p.Arg561Lys (NM_207181.4); short protein forms R505K, R506K, R443K, R561K, R562K.
Identifiers: ClinVar variation 4992378 (VCV004992378.1).

ClinVar aggregate classification (germline): Uncertain significance (1 of 4 stars; one submission).

Conditions:
NPHP1-related disorder. Also called: NPHP1-related condition; NPHP1-related disorders.

gnomAD v4.1: 1 of 1,611,858 alleles (0.000062%); highest among the groups gnomAD compares: South Asian, 0.0011%; no homozygotes.

Submission:

PreventionGenetics, part of Exact Sciences
Classification: Uncertain significance for NPHP1-related condition. Last evaluated: 2026-08-07. Review status: criteria provided, single submitter. Criteria: ACMG Guidelines, 2015. Collection method: clinical testing. Allele origin: germline.
Comment: The NPHP1 c.1685G>A variant is predicted to result in the amino acid substitution p.Arg562Lys. To our knowledge, this variant has not been reported in the literature or in a large population database (gnomAD), indicating this variant is rare. At this time, the clinical significance of this variant is uncertain due to the absence of conclusive functional and genetic evidence.